The following is an entry in ClinVar:

ClinVar aggregate classification (germline): Uncertain significance (1 of 4 stars; one submission).

Submission:

Labcorp Genetics (formerly Invitae), Labcorp
Classification: Uncertain significance. Last evaluated: 2022-05-09. Review status: criteria provided, single submitter. Criteria: Invitae Variant Classification Sherloc (09022015). Collection method: clinical testing. Allele origin: germline.
Comment: Variants that disrupt the consensus splice site are a relatively common cause of aberrant splicing (PMID: 17576681, 9536098). Algorithms developed to predict the effect of sequence changes on RNA splicing suggest that this variant may disrupt the consensus splice site. In summary, the available evidence is currently insufficient to determine the role of this variant in disease. Therefore, it has been classified as a Variant of Uncertain Significance. This variant has not been reported in the literature in individuals affected with POLG2-related conditions. This variant is not present in population databases (gnomAD no frequency). This sequence change falls in intron 5 of the POLG2 gene. It does not directly change the encoded amino acid sequence of the POLG2 protein. It affects a nucleotide within the consensus splice site.

Literature cited by the submitters: PubMed 17576681; PubMed 9536098.

NM_007215.4(POLG2):c.1110+4C>G

Genes: MILR1 (mast cell immunoglobulin like receptor 1; plus strand), POLG2 (DNA polymerase gamma 2, accessory subunit; minus strand). Cytogenetic location: 17q23.3.
Variant type: single nucleotide variant.
Coding change: c.1110+4C>G on transcript NM_007215.4 (MANE Select); 4 bases into the intron after coding-DNA position 1110, C replaced by G.
Molecular consequence: intron variant.
Genome position (GRCh38, 1-based): chr17:64,485,724, G>C on the plus strand (C>G on the coding strand, the complement: POLG2 is on the minus strand). VCF-style: chr17-64485724-G-C. GRCh37 (hg19) VCF-style: chr17-62481841-G-C.
Identifiers: ClinVar variation 2135079 (VCV002135079.4), dbSNP rs2509531804, ClinGen allele CA2580094624.